The following is an entry in ClinVar:

NM_000551.4(VHL):c.340+762G>A

Genes: VHL (von Hippel-Lindau tumor suppressor; plus strand), LOC107303340 (3p25 von Hippel-Lindau tumor suppressor, E3 ubiquitin protein ligase Alu-mediated recombination region; plus strand). Cytogenetic location: 3p25.3.
Variant type: single nucleotide variant.
Coding change: c.340+762G>A on transcript NM_000551.4 (MANE Select); 762 bases into the intron after coding-DNA position 340, G replaced by A.
Molecular consequence: intron variant. On other transcripts: missense variant (1).
Genome position (GRCh38, 1-based): chr3:10,142,949, G>A. VCF-style: chr3-10142949-G-A. GRCh37 (hg19) VCF-style: chr3-10184633-G-A.
Other names: c.527G>A, p.Cys176Tyr (NM_001354723.2); c.340+762G>A (NM_198156.3); short protein forms C176Y.
Identifiers: ClinVar variation 1025590 (VCV001025590.9), dbSNP rs1696163332, ClinGen allele CA1345067501.

ClinVar aggregate classification (germline): Uncertain significance (1 of 4 stars; one submission).

Conditions:
Von Hippel-Lindau syndrome (VHLS). Also called: Von Hippel-Lindau; von Hippel–Lindau syndrome; VHL syndrome. Identifiers: Orphanet 892, MedGen C0019562, MONDO:0008667, OMIM 193300. Disease mechanism: loss of function.
Chuvash polycythemia. Also called: POLYCYTHEMIA, VHL-DEPENDENT. Identifiers: Orphanet 238557, MedGen C1837915, MONDO:0009892, OMIM 263400.

Submission:

Labcorp Genetics (formerly Invitae), Labcorp
Classification: Uncertain significance for Von Hippel-Lindau syndrome; Chuvash polycythemia. Last evaluated: 2020-10-14. Review status: criteria provided, single submitter. Criteria: Invitae Variant Classification Sherloc (09022015). Collection method: clinical testing. Allele origin: germline.
Comment: In summary, the available evidence is currently insufficient to determine the role of this variant in disease. Therefore, it has been classified as a Variant of Uncertain Significance. Experimental studies and prediction algorithms are not available or were not evaluated, and the functional significance of this variant is currently unknown. This variant has not been reported in the literature in individuals with VHL-related conditions. The frequency data for this variant in the population databases is considered unreliable, as metrics indicate insufficient coverage at this position in the ExAC database. This sequence change falls in intron 1 of the VHL gene. It is not expected to change the encoded amino acid sequence of the VHL protein. However, this sequence change falls within a cryptic exon in the VHL gene, known as exon E1’, which is naturally expressed at low levels in several human tissues (PMID: 29891534).

Literature cited by the submitters: PubMed 29891534.